The following is an entry in ClinVar:

ClinVar aggregate classification (germline): not provided (0 of 4 stars; one submission).

Submission:

ITMI
No classification provided. Condition: AllHighlyPenetrant. Last evaluated: 2013-09-19. Review status: no classification provided. Collection method: reference population. Allele origin: germline.
Comment: Please see associated publication for description of ethnicities

Literature cited by the submitters: PubMed 24728327.

NM_002253.4(KDR):c.787C>T (p.Pro263Ser)

Gene: KDR (kinase insert domain receptor; minus strand). Cytogenetic location: 4q12.
Variant type: single nucleotide variant.
Coding change: c.787C>T on transcript NM_002253.4 (MANE Select); coding-DNA position 787, C replaced by T.
Protein change: p.Pro263Ser; replaces proline 263 with serine.
Molecular consequence: missense variant.
Genome position (GRCh38, 1-based): chr4:55,114,137, G>A on the plus strand (C>T on the coding strand, the complement: KDR is on the minus strand). VCF-style: chr4-55114137-G-A. GRCh37 (hg19) VCF-style: chr4-55980304-G-A.
Other names: short protein forms P263S.
Identifiers: ClinVar variation 134613 (VCV000134613.1), dbSNP rs587778429, ClinGen allele CA160331.
Genomic context (GRCh38, chr4:55,114,137, plus strand): 5'-GCTTATTATCTAAGTATTTGGAGGTCTGGCTTTGAATCATTAGCGTTACCTTCGAAGAAG[G>A]GTATTCCCAGTTGAAGTCAATCCCCACATTTAGTTCAGTTCTTGCTGTACAATTTAAGAC-3'
Protein context (NP_002244.1, residues 253-273): NVGIDFNWEY[Pro263Ser]SSKHQHKKLV